The following is an entry in ClinVar:

ClinVar aggregate classification (germline): Likely pathogenic (1 of 4 stars; one submission).

Conditions:
Autosomal recessive limb-girdle muscular dystrophy type 2B (LGMDR2). Also called: MUSCULAR DYSTROPHY, LIMB-GIRDLE, TYPE 3; MUSCULAR DYSTROPHY, LIMB-GIRDLE, AUTOSOMAL RECESSIVE 2; Limb-Girdle Muscular Dystrophy Type 2B (LGMD2B); Limb-girdle muscular dystrophy, type 2B. Identifiers: Orphanet 268, MedGen C1850889, MONDO:0009676, OMIM 253601.

Submission:

Natera, Inc.
Classification: Likely pathogenic for Limb-girdle muscular dystrophy type 2B. Last evaluated: 2024-12-11. Review status: criteria provided, single submitter. Criteria: Natera Variant Classification Schema (03/2026). Collection method: clinical testing. Allele origin: germline.
Comment: The c.1861G>C variant in DYSF is a missense variant predicted to cause substitution of glycine to arginine at amino acid 621. This variant is rare in the general population with a frequency below the threshold expected for the associated phenotype(s). This variant has been observed in one or more individuals affected with the associated recessive disease, as either homozygous or compound heterozygous with a second variant (PMID: 24488599). Another variant at this same site results in an alteration predicted to cause a similar molecular effect has been observed in individual(s) with the associated phenotype. Computational prediction algorithms indicate this variant is likely to affect gene or protein function. Given the available evidence, this variant is classified as Likely Pathogenic.

Literature cited by the submitters: PubMed 24488599.

NM_001130987.2(DYSF):c.1915G>C (p.Gly639Arg)

Gene: DYSF (dysferlin; plus strand). Cytogenetic location: 2p13.2.
Variant type: single nucleotide variant.
Coding change: c.1915G>C on transcript NM_001130987.2 (MANE Select); coding-DNA position 1915, G replaced by C.
Protein change: p.Gly639Arg; replaces glycine 639 with arginine.
Molecular consequence: missense variant.
Genome position (GRCh38, 1-based): chr2:71,553,119, G>C. VCF-style: chr2-71553119-G-C. GRCh37 (hg19) VCF-style: chr2-71780249-G-C.
Other names: c.1864G>C, p.Gly622Arg (NM_001130455.2, NM_001130983.2); c.1819G>C, p.Gly607Arg (NM_001130976.2, NM_001130977.2); c.1861G>C, p.Gly621Arg (NM_001130978.2, NM_003494.4); c.1954G>C, p.Gly652Arg (NM_001130979.2); c.1912G>C, p.Gly638Arg (NM_001130980.2, NM_001130981.2); c.1957G>C, p.Gly653Arg (NM_001130982.2); c.1822G>C, p.Gly608Arg (NM_001130984.2, NM_001130986.2); c.1915G>C, p.Gly639Arg (NM_001130985.2); short protein forms G607R, G608R, G621R, G622R, G638R, G639R, G652R, G653R.
Identifiers: ClinVar variation 4815130 (VCV004815130.1).